The following is an entry in ClinVar:

ClinVar aggregate classification (germline): Likely benign. Review status: criteria provided, multiple submitters, no conflicts (2 of 4 stars). 2 submissions from 2 submitters: Likely benign (2). Last evaluated 2026-07-07.

Conditions:
Rhabdoid tumor predisposition syndrome 2 (RTPS2). Identifiers: Orphanet 231108, Orphanet 69077, MedGen C2750074, MONDO:0013224, OMIM 613325.

Allele frequency attached by ClinVar (database versions not stated): gnomAD exomes below 0.00001.
gnomAD v4.1: 3 of 1,613,696 alleles (0.00019%); highest among the groups gnomAD compares: Non-Finnish European, 0.00025%; no homozygotes.

Submissions (2):

Myriad Genetics, Inc.
Classification: Likely benign for Rhabdoid tumor predisposition syndrome 2. Last evaluated: 2026-07-07. Review status: criteria provided, single submitter. Criteria: Myriad Autosomal Dominant, Autosomal Recessive and X-Linked Classification Criteria (2023). Collection method: clinical testing. Allele origin: unknown.
Comment: This variant is considered likely benign. This variant is intronic and is not expected to impact mRNA splicing.

Labcorp Genetics (formerly Invitae), Labcorp
Classification: Likely benign for Rhabdoid tumor predisposition syndrome 2. Last evaluated: 2024-12-23. Review status: criteria provided, single submitter. Criteria: Invitae Variant Classification Sherloc (09022015). Collection method: clinical testing. Allele origin: germline.

NM_003072.5(SMARCA4):c.2124-18C>T

Gene: SMARCA4 (SWI/SNF related BAF chromatin remodeling complex subunit ATPase 4; plus strand). Cytogenetic location: 19p13.2.
Variant type: single nucleotide variant.
Coding change: c.2124-18C>T on transcript NM_003072.5 (MANE Select); 18 bases into the intron before coding-DNA position 2124, C replaced by T.
Molecular consequence: intron variant.
Genome position (GRCh38, 1-based): chr19:11,010,363, C>T. VCF-style: chr19-11010363-C-T. GRCh37 (hg19) VCF-style: chr19-11121039-C-T.
Other names: c.2124-18C>T (NM_001128844.3, NM_001128849.3, NM_001128847.4 and 6 more transcripts).
Identifiers: ClinVar variation 2704620 (VCV002704620.4), dbSNP rs756940108, ClinGen allele CA631756495.